The following is an entry in ClinVar:

NM_005188.4(CBL):c.1094A>G (p.Gln365Arg)

Gene: CBL (Cbl proto-oncogene; plus strand). Cytogenetic location: 11q23.3.
Variant type: single nucleotide variant.
Coding change: c.1094A>G on transcript NM_005188.4 (MANE Select); coding-DNA position 1094, A replaced by G.
Protein change: p.Gln365Arg; replaces glutamine 365 with arginine.
Molecular consequence: missense variant.
Genome position (GRCh38, 1-based): chr11:119,277,843, A>G. VCF-style: chr11-119277843-A-G. GRCh37 (hg19) VCF-style: chr11-119148553-A-G.
Other names: c.1094A>G (NM_005188.2); short protein forms Q365R.
Identifiers: ClinVar variation 302778 (VCV000302778.11), dbSNP rs756742202, ClinGen allele CA6318418.

ClinVar aggregate classification (germline): Uncertain significance. Review status: criteria provided, multiple submitters, no conflicts (2 of 4 stars). 3 submissions from 3 submitters: Uncertain significance (3). Last evaluated 2025-03-12.

Conditions:
RASopathy. Also called: rasopathies; Noonan spectrum disorder. Identifiers: Orphanet 536391, MedGen C5555857, MONDO:0021060.
CBL-related disorder. Also called: NOONAN SYNDROME-LIKE DISORDER WITHOUT JUVENILE MYELOMONOCYTIC LEUKEMIA; CBL MUTATION-ASSOCIATED SYNDROME; CBL SYNDROME. Identifiers: Orphanet 363972, MedGen C3150803, MONDO:0013308, OMIM 613563.
Cardiovascular phenotype. Identifiers: MedGen CN230736.

Allele frequency attached by ClinVar (database versions not stated): ExAC 0.00001; gnomAD exomes 0.00001 and 0.00002.
gnomAD v4.1: 29 of 1,608,446 alleles (0.0018%); highest among the groups gnomAD compares: Non-Finnish European, 0.0024%; no homozygotes.

Submissions (3):

Ambry Genetics
Classification: Uncertain significance for Cardiovascular phenotype. Last evaluated: 2025-03-12. Review status: criteria provided, single submitter. Criteria: Ambry Variant Classification Scheme 2023. Collection method: clinical testing. Allele origin: germline.
Comment: The p.Q365R variant (also known as c.1094A>G), located in coding exon 7 of the CBL gene, results from an A to G substitution at nucleotide position 1094. The glutamine at codon 365 is replaced by arginine, an amino acid with highly similar properties. This amino acid position is conserved. In addition, this alteration is predicted to be deleterious by in silico analysis. Based on the available evidence, the clinical significance of this variant remains unclear.

Labcorp Genetics (formerly Invitae), Labcorp
Classification: Uncertain significance for RASopathy. Last evaluated: 2022-09-17. Review status: criteria provided, single submitter. Criteria: Invitae Variant Classification Sherloc (09022015). Collection method: clinical testing. Allele origin: germline.
Comment: In summary, the available evidence is currently insufficient to determine the role of this variant in disease. Therefore, it has been classified as a Variant of Uncertain Significance. Algorithms developed to predict the effect of missense changes on protein structure and function are either unavailable or do not agree on the potential impact of this missense change (SIFT: "Deleterious"; PolyPhen-2: "Possibly Damaging"; Align-GVGD: "Class C0"). ClinVar contains an entry for this variant (Variation ID: 302778). This variant has not been reported in the literature in individuals affected with CBL-related conditions. This variant is present in population databases (rs756742202, gnomAD 0.002%). This sequence change replaces glutamine, which is neutral and polar, with arginine, which is basic and polar, at codon 365 of the CBL protein (p.Gln365Arg).

Illumina Laboratory Services, Illumina
Classification: Uncertain significance for CBL-related disorder. Last evaluated: 2018-01-12. Review status: criteria provided, single submitter. Criteria: ICSL Variant Classification Criteria 13 December 2019. Collection method: clinical testing. Allele origin: germline.